The following is an entry in ClinVar:

ClinVar aggregate classification (germline): Uncertain significance (1 of 4 stars; one submission).

Conditions:
Primary ciliary dyskinesia. Also called: Ciliary dyskinesia. Identifiers: Orphanet 244, MedGen C0008780, MONDO:0016575, HP:0012265.

Allele frequency attached by ClinVar (database versions not stated): gnomAD 0.00003; gnomAD exomes 0.00003; TOPMed 0.00003; ExAC 0.00007; ESP Exome Variant Server 0.00008.
gnomAD v4.1: 49 of 1,613,554 alleles (0.003%); highest among the groups gnomAD compares: Middle Eastern, 0.016%; no homozygotes.

Submission:

Labcorp Genetics (formerly Invitae), Labcorp
Classification: Uncertain significance for Primary ciliary dyskinesia. Last evaluated: 2024-01-08. Review status: criteria provided, single submitter. Criteria: Invitae Variant Classification Sherloc (09022015). Collection method: clinical testing. Allele origin: germline.
Comment: This sequence change replaces glutamic acid, which is acidic and polar, with lysine, which is basic and polar, at codon 389 of the RSPH4A protein (p.Glu389Lys). This variant is present in population databases (rs368398120, gnomAD 0.1%). This variant has not been reported in the literature in individuals affected with RSPH4A-related conditions. Advanced modeling of protein sequence and biophysical properties (such as structural, functional, and spatial information, amino acid conservation, physicochemical variation, residue mobility, and thermodynamic stability) performed at Invitae indicates that this missense variant is not expected to disrupt RSPH4A protein function with a negative predictive value of 80%. In summary, the available evidence is currently insufficient to determine the role of this variant in disease. Therefore, it has been classified as a Variant of Uncertain Significance.

NM_001010892.3(RSPH4A):c.1165G>A (p.Glu389Lys)

Gene: RSPH4A (radial spoke head component 4A; plus strand). Cytogenetic location: 6q22.1.
Variant type: single nucleotide variant.
Coding change: c.1165G>A on transcript NM_001010892.3 (MANE Select); coding-DNA position 1165, G replaced by A.
Protein change: p.Glu389Lys; replaces glutamic acid 389 with lysine.
Molecular consequence: missense variant.
Genome position (GRCh38, 1-based): chr6:116,627,872, G>A. VCF-style: chr6-116627872-G-A. GRCh37 (hg19) VCF-style: chr6-116949035-G-A.
Other names: c.1165G>A, p.Glu389Lys (NM_001161664.2); short protein forms E389K.
Identifiers: ClinVar variation 3016010 (VCV003016010.3), dbSNP rs368398120, ClinGen allele CA3970903.
Genomic context (GRCh38, chr6:116,627,872, plus strand): 5'-GCTGAAGTGGAATTTCGTGAGGGGGAAGATGAAGAGGAAGTGGAAGAGGAAGATGTAGCT[G>A]AAGAGAGGGACAATGGAGAAAGTGAAGCTCATGAAGATGAGGAAGATGAATTACCAAAGT-3'
Protein context (NP_001010892.1, residues 379-399): EEEVEEEDVA[Glu389Lys]ERDNGESEAH